The following is an entry in ClinVar:

NM_001170629.2(CHD8):c.4312CAT[1] (p.His1439del)

Gene: CHD8 (chromodomain helicase DNA binding protein 8; minus strand). Cytogenetic location: 14q11.2.
Variant type: Microsatellite.
Coding change: c.4312CAT[1] on transcript NM_001170629.2 (MANE Select); one copy of the 3-base unit CAT starting at c.4312; the reference has two copies in a row; one copy, 3 bases deleted.
Protein change: p.His1439del; deletes histidine 1439.
Molecular consequence: inframe deletion.
Genome position (GRCh38, 1-based): chr14:21,400,928-21,400,930, ATG deleted on the plus strand (CAT on the coding strand, the reverse complement: CHD8 is on the minus strand); deleting any 3 consecutive bases within chr14:21,400,928-21,400,934 gives the same sequence; the position shown is the placement nearest the transcript's 3' end. VCF-style (leftmost placement, unchanged base first): chr14-21400927-CATG-C. GRCh37 (hg19) VCF-style: chr14-21869086-CATG-C.
Other names: c.3475CAT[1], p.His1160del (NM_020920.4); short protein forms H1160del, H1439del.
Identifiers: ClinVar variation 2782762 (VCV002782762.3), dbSNP rs1594341231, ClinGen allele CA919371860.

ClinVar aggregate classification (germline): Uncertain significance (1 of 4 stars; one submission).

Submission:

Labcorp Genetics (formerly Invitae), Labcorp
Classification: Uncertain significance. Last evaluated: 2023-11-27. Review status: criteria provided, single submitter. Criteria: Invitae Variant Classification Sherloc (09022015). Collection method: clinical testing. Allele origin: germline.
Comment: This variant, c.4315_4317del, results in the deletion of 1 amino acid(s) of the CHD8 protein (p.His1439del), but otherwise preserves the integrity of the reading frame. This variant is not present in population databases (gnomAD no frequency). This variant has not been reported in the literature in individuals affected with CHD8-related conditions. Experimental studies and prediction algorithms are not available or were not evaluated, and the functional significance of this variant is currently unknown. In summary, the available evidence is currently insufficient to determine the role of this variant in disease. Therefore, it has been classified as a Variant of Uncertain Significance.